The following is an entry in ClinVar:

NM_000918.4(P4HB):c.307A>G (p.Lys103Glu)

Gene: P4HB (prolyl 4-hydroxylase subunit beta; minus strand). Cytogenetic location: 17q25.3.
Variant type: single nucleotide variant.
Coding change: c.307A>G on transcript NM_000918.4 (MANE Select); coding-DNA position 307, A replaced by G.
Protein change: p.Lys103Glu; replaces lysine 103 with glutamic acid.
Molecular consequence: missense variant.
Genome position (GRCh38, 1-based): chr17:81,859,226, T>C on the plus strand (A>G on the coding strand, the complement: P4HB is on the minus strand). VCF-style: chr17-81859226-T-C. GRCh37 (hg19) VCF-style: chr17-79817102-T-C.
Other names: short protein forms K103E.
Identifiers: ClinVar variation 1935873 (VCV001935873.5), dbSNP rs868065834, ClinGen allele CA295130446.

ClinVar aggregate classification (germline): Uncertain significance (1 of 4 stars; one submission).

Allele frequency attached by ClinVar (database versions not stated): TOPMed below 0.00001.

Submission:

Labcorp Genetics (formerly Invitae), Labcorp
Classification: Uncertain significance. Last evaluated: 2022-11-29. Review status: criteria provided, single submitter. Criteria: Invitae Variant Classification Sherloc (09022015). Collection method: clinical testing. Allele origin: germline.
Comment: In summary, the available evidence is currently insufficient to determine the role of this variant in disease. Therefore, it has been classified as a Variant of Uncertain Significance. Advanced modeling of protein sequence and biophysical properties (such as structural, functional, and spatial information, amino acid conservation, physicochemical variation, residue mobility, and thermodynamic stability) performed at Invitae indicates that this missense variant is expected to disrupt P4HB protein function. This variant has not been reported in the literature in individuals affected with P4HB-related conditions. This variant is not present in population databases (gnomAD no frequency). This sequence change replaces lysine, which is basic and polar, with glutamic acid, which is acidic and polar, at codon 103 of the P4HB protein (p.Lys103Glu).